The following is an entry in ClinVar:

ClinVar aggregate classification (germline): Uncertain significance (1 of 4 stars; one submission).

Conditions:
CSF2RA-related disorder. Also called: CSF2RA-related condition.

gnomAD v4.1: 6 of 1,613,844 alleles (0.00037%); highest among the groups gnomAD compares: Admixed American, 0.005%; no homozygotes.

Submission:

PreventionGenetics, part of Exact Sciences
Classification: Uncertain significance for CSF2RA-related condition. Last evaluated: 2026-07-08. Review status: criteria provided, single submitter. Criteria: ACMG Guidelines, 2015. Collection method: clinical testing. Allele origin: germline.
Comment: The CSF2RA c.223A>T variant is predicted to result in the amino acid substitution p.Ser75Cys. To our knowledge, this variant has not been reported in the literature. This variant is reported in 0.0029% of alleles in individuals of Latino descent in gnomAD. At the time of reporting this variant was not present in ClinVar. At this time, the clinical significance of this variant is uncertain due to the absence of conclusive functional and genetic evidence.

NM_172245.4(CSF2RA):c.223A>T (p.Ser75Cys)

Gene: CSF2RA (colony stimulating factor 2 receptor subunit alpha; plus strand). Cytogenetic location: Xp22.33.
Variant type: single nucleotide variant.
Coding change: c.223A>T on transcript NM_172245.4 (MANE Select); coding-DNA position 223, A replaced by T.
Protein change: p.Ser75Cys; replaces serine 75 with cysteine.
Molecular consequence: missense variant. On other transcripts: 5 prime UTR variant (1), non-coding transcript variant (1).
Genome position (GRCh38, 1-based): chrX:1,288,522, A>T. VCF-style: chrX-1288522-A-T. GRCh37 (hg19) VCF-style: chrX-1407415-A-T.
Other names: c.223A>T, p.Ser75Cys (NM_001161529.2, NM_001161530.2, NM_001161531.2 and 20 more transcripts); c.-177A>T (NM_001161532.2); short protein forms S75C.
Identifiers: ClinVar variation 4987244 (VCV004987244.1).
Genomic context (GRCh38, chrX:1,288,522, plus strand): 5'-ACTGTAGGAGACAGAAGGTTGTTTCCTAATCGGCTCTGTCTGGTTGCAATTCTTCAGCTC[A>T]GTAACAACGAATGTTCGTGCACATTTCGTGAAATTTGTCTGCATGAAGGAGTCACATTTG-3'
Protein context (NP_758448.1, residues 65-85): KKNRVVEPRL[Ser75Cys]NNECSCTFRE